The following is an entry in ClinVar:

NM_003151.4(STAT4):c.1624C>T (p.His542Tyr)

Gene: STAT4 (signal transducer and activator of transcription 4; minus strand). Cytogenetic location: 2q32.2.
Variant type: single nucleotide variant.
Coding change: c.1624C>T on transcript NM_003151.4 (MANE Select); coding-DNA position 1624, C replaced by T.
Protein change: p.His542Tyr; replaces histidine 542 with tyrosine.
Molecular consequence: missense variant.
Genome position (GRCh38, 1-based): chr2:191,034,002, G>A on the plus strand (C>T on the coding strand, the complement: STAT4 is on the minus strand). VCF-style: chr2-191034002-G-A. GRCh37 (hg19) VCF-style: chr2-191898728-G-A.
Other names: c.1624C>T, p.His542Tyr (NM_001243835.2); short protein forms H542Y.
Identifiers: ClinVar variation 1928450 (VCV001928450.5), dbSNP rs765178000, ClinGen allele CA2030512.
Genomic context (GRCh38, chr2:191,034,002, plus strand): 5'-TAATTAGATCCAATATTGCTTCAAGCCATGTCCAAAAGGTAAATGATTTACCAGGTAAAT[G>A]TTCCTACAGGAATAGACAAGCACATTAAGACAATGATTATTTAAGTAATAATGTTGATAT-3'
Protein context (NP_003142.1, residues 532-552): HLTWAKFCKE[His542Tyr]LPGKSFTFWT

ClinVar aggregate classification (germline): Uncertain significance (1 of 4 stars; one submission).

Allele frequency attached by ClinVar (database versions not stated): TOPMed 0.00001; gnomAD 0.00003; ExAC 0.00004; gnomAD exomes 0.00004.
gnomAD v4.1: 57 of 1,594,994 alleles (0.0036%); highest among the groups gnomAD compares: South Asian, 0.0068%; no homozygotes.

Submission:

Labcorp Genetics (formerly Invitae), Labcorp
Classification: Uncertain significance. Last evaluated: 2025-07-14. Review status: criteria provided, single submitter. Criteria: Invitae Variant Classification Sherloc (09022015). Collection method: clinical testing. Allele origin: germline.
Comment: This sequence change replaces histidine, which is basic and polar, with tyrosine, which is neutral and polar, at codon 542 of the STAT4 protein (p.His542Tyr). This variant is present in population databases (rs765178000, gnomAD 0.01%). This variant has not been reported in the literature in individuals affected with STAT4-related conditions. ClinVar contains an entry for this variant (Variation ID: 1928450). Invitae Evidence Modeling of protein sequence and biophysical properties (such as structural, functional, and spatial information, amino acid conservation, physicochemical variation, residue mobility, and thermodynamic stability) has been performed for this missense variant. However, the output from this modeling did not meet the statistical confidence thresholds required to predict the impact of this variant on STAT4 protein function. In summary, the available evidence is currently insufficient to determine the role of this variant in disease. Therefore, it has been classified as a Variant of Uncertain Significance.